The following is an entry in ClinVar:

ClinVar aggregate classification (germline): Benign/Likely benign. Review status: criteria provided, multiple submitters, no conflicts (2 of 4 stars). 3 submissions from 3 submitters: Benign (1); Likely benign (2). Last evaluated 2025-01-21.

Conditions:
Hereditary cancer-predisposing syndrome. Also called: Tumor predisposition; Neoplastic Syndromes, Hereditary; Hereditary Cancer Syndrome; Hereditary neoplastic syndrome. Identifiers: Orphanet 140162, MedGen C0027672, MeSH D009386, MONDO:0015356.
Familial cancer of breast. Also called: Hereditary breast cancer; BREAST CANCER, FAMILIAL; hereditary breast carcinoma. Identifiers: Orphanet 227535, MedGen C0346153, MONDO:0016419, OMIM 114480. Disease mechanism: loss of function.

Submissions (3):

Myriad Genetics, Inc.
Classification: Benign for Familial cancer of breast. Last evaluated: 2025-01-21. Review status: criteria provided, single submitter. Criteria: Myriad Autosomal Dominant, Autosomal Recessive and X-Linked Classification Criteria (2023). Collection method: clinical testing. Allele origin: unknown.
Comment: This variant is considered benign. This variant is a silent/synonymous amino acid change and it is not expected to impact splicing.

Labcorp Genetics (formerly Invitae), Labcorp
Classification: Likely benign for Familial cancer of breast. Last evaluated: 2024-08-04. Review status: criteria provided, single submitter. Criteria: Invitae Variant Classification Sherloc (09022015). Collection method: clinical testing. Allele origin: germline.

Ambry Genetics
Classification: Likely benign for Hereditary cancer-predisposing syndrome. Last evaluated: 2020-09-15. Review status: criteria provided, single submitter. Criteria: Ambry Variant Classification Scheme 2023. Collection method: clinical testing. Allele origin: germline.

NM_024675.4(PALB2):c.3087T>C (p.Thr1029=)

Gene: PALB2 (partner and localizer of BRCA2; minus strand). Cytogenetic location: 16p12.2.
Variant type: single nucleotide variant.
Coding change: c.3087T>C on transcript NM_024675.4 (MANE Select); coding-DNA position 3087, T replaced by C.
Protein change: p.Thr1029=; no amino-acid change (threonine 1029 retained).
Molecular consequence: synonymous variant. On other transcripts: intron variant (1).
Genome position (GRCh38, 1-based): chr16:23,621,388, A>G on the plus strand (T>C on the coding strand, the complement: PALB2 is on the minus strand). VCF-style: chr16-23621388-A-G. GRCh37 (hg19) VCF-style: chr16-23632709-A-G.
Other names: c.3027T>C, p.Thr1009= (NM_001407296.1); c.3015T>C, p.Thr1005= (NM_001407297.1); c.2925T>C, p.Thr975= (NM_001407298.1, NM_001407302.1); c.3087T>C, p.Thr1029= (NM_001407299.1, NM_001407301.1); c.2202T>C, p.Thr734= (NM_001407304.1, NM_001407305.1, NM_001407306.1 and 4 more transcripts); c.2040T>C, p.Thr680= (NM_001407307.1); c.1299T>C, p.Thr433= (NM_001407312.1, NM_001407313.1); c.621T>C, p.Thr207= (NM_001407314.1); and 1 more.
Identifiers: ClinVar variation 1727411 (VCV001727411.6), dbSNP rs2142326440, ClinGen allele CA494180131.
Genomic context (GRCh38, chr16:23,621,388, plus strand): 5'-ATGAGGGAACTGAGGACCTAGAGGGAAAGCTTACCAAATAACAATGTTGTTCATAATAGT[A>G]GTACCAAGCAGAGCTTCTTGCATCCCTTGGACCTCAGCAAAAGTTAGTATAGTCTCCTCA-3'
Protein context (NP_078951.2, residues 1019-1039): VQGMQEALLG[Thr1029=]TIMNNIVIWN